The following is an entry in ClinVar:

ClinVar aggregate classification (germline): Pathogenic/Likely pathogenic. Review status: criteria provided, multiple submitters, no conflicts (2 of 4 stars). 3 submissions from 3 submitters: Pathogenic (1); Likely pathogenic (1). 1 of the submissions does not count toward it. Last evaluated 2025-07-29.

Conditions:
Neurodevelopmental disorder with microcephaly, arthrogryposis, and structural brain anomalies. Identifiers: Orphanet 664923, MedGen C5231431, MONDO:0032838, OMIM 618622.

Allele frequency attached by ClinVar (database versions not stated): TOPMed below 0.00001; gnomAD 0.00001; gnomAD exomes 0.00001 and 0.00002; ExAC 0.00002.
gnomAD v4.1: 12 of 1,613,874 alleles (0.00074%); highest among the groups gnomAD compares: Middle Eastern, 0.017%; no homozygotes.

Submissions (3):

GeneDx
Classification: Likely pathogenic. Last evaluated: 2025-07-29. Review status: criteria provided, single submitter. Criteria: GeneDx Variant Classification Process June 2021. Collection method: clinical testing. Allele origin: germline. Affected: yes.
Comment: RNA studies demonstrate a damaging effect: significant reduction of mRNA expression and the production of three aberrant transcripts in affected skin fibroblasts (PMID: 31495489); In silico analysis supports a deleterious effect on splicing; This variant is associated with the following publications: (PMID: 34426522, 34592643, 35651939, 39891267, 31495489)

Neuberg Centre For Genomic Medicine, NCGM
Classification: Pathogenic for Neurodevelopmental disorder with microcephaly, arthrogryposis, and structural brain anomalies. Review status: criteria provided, single submitter. Criteria: ACMG Guidelines, 2015. Collection method: clinical testing. Allele origin: germline. Inheritance: Autosomal recessive inheritance. Affected: yes.
Comment: The splice region c.1290-9G>A variant in SMPD4 gene has been reported previously (via RNA sequencing) in an individual affected with SMPD4-related neurodevelopmental disorder as SMPD4 (NM_017951.4): c.1407-9G>A (Magini et al. 2019). This variant creates a splice acceptor site close to exon 15 leading to a frameshift, and a drastic reduction (over 99%) of wild type SMPD4 mRNA (Magini et al. 2019). The c. variant is reported with an allele frequency of 0.002% in the gnomAD exomes database and is novel (not in any individuals) in 1000 Genomes database. This variant is reported to the ClinVar database as Pathogenic. SpliceAI predicts an acceptor gain of 0.95 for this variant. For these reasons, this variant has been classified as Pathogenic.

OMIM
Classification: Pathogenic for NEURODEVELOPMENTAL DISORDER WITH MICROCEPHALY, ARTHROGRYPOSIS, AND STRUCTURAL BRAIN ANOMALIES. Last evaluated: 2019-10-16. Review status: no assertion criteria provided. Collection method: literature only. Allele origin: germline. Not counted in ClinVar's aggregate classification.

Literature cited by the submitters: PubMed 31495489 (cited by OMIM).

NM_017951.5(SMPD4):c.1290-9G>A

Gene: SMPD4 (sphingomyelin phosphodiesterase 4; minus strand). Cytogenetic location: 2q21.1.
Variant type: single nucleotide variant.
Coding change: c.1290-9G>A on transcript NM_017951.5 (MANE Select); 9 bases into the intron before coding-DNA position 1290, G replaced by A.
Molecular consequence: intron variant.
Genome position (GRCh38, 1-based): chr2:130,155,268, C>T on the plus strand (G>A on the coding strand, the complement: SMPD4 is on the minus strand). VCF-style: chr2-130155268-C-T. GRCh37 (hg19) VCF-style: chr2-130912841-C-T.
Other names: IVS14AS, G-A, -9; c.1101-9G>A (NM_001171083.2); c.1320-9G>A (NM_017751.4).
Identifiers: ClinVar variation 691968 (VCV000691968.3), dbSNP rs766318490, ClinGen allele CA1869795.
Genomic context (GRCh38, chr2:130,155,268, plus strand): 5'-GCCCACAAACAACTTGGTGTACATCAGCAGGTTCTCCTGGACAAAGGGTGCCCTGGGGAC[C>T]GAGGTGGCAGGTTGGGGCCAGCCTTCCAACTGGAAGCATGCCCCTAATGCCCGGTCCGTG-3'